The following is an entry in ClinVar:

ClinVar aggregate classification (germline): Pathogenic (1 of 4 stars; one submission).

Submission:

Labcorp Genetics (formerly Invitae), Labcorp
Classification: Pathogenic. Last evaluated: 2025-11-17. Review status: criteria provided, single submitter. Criteria: Invitae Variant Classification Sherloc (09022015). Collection method: clinical testing. Allele origin: germline.
Comment: This sequence change creates a premature translational stop signal (p.Val1055Serfs*2) in the ABCC6 gene. It is expected to result in an absent or disrupted protein product. Loss-of-function variants in ABCC6 are known to be pathogenic (PMID: 11536079, 17617515). This variant is not present in population databases (gnomAD no frequency). This variant has not been reported in the literature in individuals affected with ABCC6-related conditions. For these reasons, this variant has been classified as Pathogenic.

Literature cited by the submitters: PubMed 11536079; PubMed 17617515.

NM_001171.6(ABCC6):c.3162_3163insA (p.Val1055fs)

Gene: ABCC6 (ATP binding cassette subfamily C member 6; minus strand). Cytogenetic location: 16p13.11.
Variant type: Insertion.
Coding change: c.3162_3163insA on transcript NM_001171.6 (MANE Select); coding-DNA positions 3162 to 3163, A inserted.
Protein change: p.Val1055fs; shifts the reading frame from valine 1055.
Molecular consequence: frameshift variant. On other transcripts: non-coding transcript variant (4).
Genome position: GRCh38 VCF-style: chr16-16165766-C-CT. GRCh37 (hg19) VCF-style: chr16-16259623-C-CT.
Other names: c.2820_2821insA, p.Val941fs (NM_001351800.1); c.3129_3130insA, p.Val1044fs (NM_001440309.1); c.2994_2995insA, p.Val999fs (NM_001440310.1); short protein forms V941fs, V999fs, V1044fs, V1055fs.
Identifiers: ClinVar variation 4745133 (VCV004745133.1).
Genomic context (GRCh38, chr16:16,165,766, plus strand): 5'-CCAGGAGTCCAAAGGCGTACATCAGCAGGGACCGGAGTTTGTCTGGAATGTCCACGTCAA[C>CT]CGTGTCTGTCTCCTTGGAGAAGCGGTTTAGCAGGTGACCAATGGGTGTCCGCTCAAAGAA-3'